The following is an entry in ClinVar:

ClinVar aggregate classification (germline): Uncertain significance (1 of 4 stars; one submission).

Conditions:
Brugada syndrome 4 (BRGDA4). Identifiers: Orphanet 130, MedGen C2678477, MONDO:0012743, OMIM 611876.

gnomAD v4.1: 2 of 1,613,982 alleles (0.00012%); highest among the groups gnomAD compares: Admixed American, 0.0033%; no homozygotes.

Submission:

Labcorp Genetics (formerly Invitae), Labcorp
Classification: Uncertain significance for Brugada syndrome 4. Last evaluated: 2025-07-13. Review status: criteria provided, single submitter. Criteria: Invitae Variant Classification Sherloc (09022015). Collection method: clinical testing. Allele origin: germline.
Comment: This sequence change replaces glycine, which is neutral and non-polar, with serine, which is neutral and polar, at codon 113 of the CACNB2 protein (p.Gly113Ser). This variant is present in population databases (no rsID available, gnomAD 0.006%). This missense change has been observed in individual(s) with autism (PMID: 24752249). This variant is also known as p.G167S. Invitae Evidence Modeling of protein sequence and biophysical properties (such as structural, functional, and spatial information, amino acid conservation, physicochemical variation, residue mobility, and thermodynamic stability) has been performed for this missense variant. However, the output from this modeling did not meet the statistical confidence thresholds required to predict the impact of this variant on CACNB2 protein function. Experimental studies are conflicting or provide insufficient evidence to determine the effect of this variant on CACNB2 function (PMID: 31887354). In summary, the available evidence is currently insufficient to determine the role of this variant in disease. Therefore, it has been classified as a Variant of Uncertain Significance.

Literature cited by the submitters: PubMed 24752249; PubMed 31887354.

NM_201596.3(CACNB2):c.499G>A (p.Gly167Ser)

Gene: CACNB2 (calcium voltage-gated channel auxiliary subunit beta 2; plus strand). Cytogenetic location: 10p12.31.
Variant type: single nucleotide variant.
Coding change: c.499G>A on transcript NM_201596.3 (MANE Select); coding-DNA position 499, G replaced by A.
Protein change: p.Gly167Ser; replaces glycine 167 with serine.
Molecular consequence: missense variant.
Genome position (GRCh38, 1-based): chr10:18,500,854, G>A. VCF-style: chr10-18500854-G-A. GRCh37 (hg19) VCF-style: chr10-18789783-G-A.
Other names: c.334G>A, p.Gly112Ser (NM_000724.4, NM_001330060.2); c.415G>A, p.Gly139Ser (NM_001167945.2, NM_201571.4, NM_201572.4); c.355G>A, p.Gly119Ser (NM_001410882.1, NM_201570.3); c.337G>A, p.Gly113Ser (NM_201590.3); c.499G>A, p.Gly167Ser (NM_201593.3, NM_201597.3); short protein forms G119S, G112S, G139S, G113S, G167S.
Identifiers: ClinVar variation 4709723 (VCV004709723.1).